The following is an entry in ClinVar:

ClinVar aggregate classification (germline): Uncertain significance (1 of 4 stars; one submission).

Submission:

GeneDx
Classification: Uncertain significance. Last evaluated: 2022-03-15. Review status: criteria provided, single submitter. Criteria: GeneDx Variant Classification Process June 2021. Collection method: clinical testing. Allele origin: germline. Affected: yes.
Comment: Not observed at significant frequency in large population cohorts (gnomAD); In silico analysis supports that this missense variant does not alter protein structure/function; Has not been previously published as pathogenic or benign to our knowledge

NM_006565.4(CTCF):c.104A>G (p.Glu35Gly)

Gene: CTCF (CCCTC-binding factor; plus strand). Cytogenetic location: 16q22.1.
Variant type: single nucleotide variant.
Coding change: c.104A>G on transcript NM_006565.4 (MANE Select); coding-DNA position 104, A replaced by G.
Protein change: p.Glu35Gly; replaces glutamic acid 35 with glycine.
Molecular consequence: missense variant. On other transcripts: intron variant (1).
Genome position (GRCh38, 1-based): chr16:67,610,936, A>G. VCF-style: chr16-67610936-A-G. GRCh37 (hg19) VCF-style: chr16-67644839-A-G.
Other names: c.104A>G, p.Glu35Gly (NM_001363916.2); c.-32-5809A>G (NM_001191022.2); short protein forms E35G.
Identifiers: ClinVar variation 1706340 (VCV001706340.2), dbSNP rs2543446773, ClinGen allele CA396301839.